The following is an entry in ClinVar:

ClinVar aggregate classification (germline): Uncertain significance (1 of 4 stars; one submission).

Conditions:
Hereditary cancer-predisposing syndrome. Also called: Neoplastic Syndromes, Hereditary; Tumor predisposition; Hereditary Cancer Syndrome; Hereditary neoplastic syndrome. Identifiers: Orphanet 140162, MedGen C0027672, MeSH D009386, MONDO:0015356.

Submission:

Ambry Genetics
Classification: Uncertain significance for Hereditary cancer-predisposing syndrome. Last evaluated: 2025-10-08. Review status: criteria provided, single submitter. Criteria: Ambry Variant Classification Scheme 2023. Collection method: clinical testing. Allele origin: germline.
Comment: The c.2358_2361delGCAGinsA variant (also known as p.Q787del), located in coding exon 20 of the EGFR gene, results from an in-frame deletion of GCAG and insertion of A at nucleotide positions 2358 to 2361. This results in the in-frame deletion of the glutamine residue at codon 787. This amino acid position is highly conserved in available vertebrate species. In addition, this variant is predicted to be deleterious by in silico analysis (Choi Y et al. PLoS ONE. 2012; 7(10):e46688). Based on the available evidence, the clinical significance of this variant remains unclear.

NM_005228.5(EGFR):c.2358_2361delinsA (p.Gln787del)

Genes: EGFR (epidermal growth factor receptor; plus strand), EGFR-AS1 (EGFR antisense RNA 1; minus strand). Cytogenetic location: 7p11.2.
Variant type: Indel.
Coding change: c.2358_2361delinsA on transcript NM_005228.5 (MANE Select); coding-DNA positions 2358 to 2361, GCAG replaced by A.
Protein change: p.Gln787del; deletes glutamine 787.
Molecular consequence: inframe deletion. On other transcripts: non-coding transcript variant (1).
Genome position (GRCh38, 1-based): chr7:55,181,367-55,181,370, GCAG replaced by A. VCF-style: chr7-55181367-GCAG-A. GRCh37 (hg19) VCF-style: chr7-55249060-GCAG-A.
Other names: c.2223_2226delinsA, p.Gln742del (NM_001346897.2, NM_001346899.2); c.2358_2361delinsA, p.Gln787del (NM_001346898.2); c.2199_2202delinsA, p.Gln734del (NM_001346900.2); c.1557_1560delinsA, p.Gln520del (NM_001346941.2); short protein forms Q742del, Q787del, Q520del, Q734del.
Identifiers: ClinVar variation 4638798 (VCV004638798.1).